The following is an entry in ClinVar:

ClinVar aggregate classification (germline): Conflicting classifications of pathogenicity. Review status: criteria provided, conflicting classifications (1 of 4 stars). 9 submissions from 7 submitters: Uncertain significance (7); Benign (1). 1 of the submissions does not count toward it. Last evaluated 2026-01-28.

Conditions:
Hereditary spastic paraplegia. Also called: Familial spastic paraparesis. Identifiers: Orphanet 685, MedGen C0037773, MONDO:0019064. Disease mechanism: loss of function.
Inborn genetic diseases. Identifiers: MedGen C0950123, MeSH D030342.
Charcot-Marie-Tooth disease axonal type 2X. Also called: CHARCOT-MARIE-TOOTH DISEASE, AXONAL, AUTOSOMAL RECESSIVE, TYPE 2X; CHARCOT-MARIE-TOOTH NEUROPATHY, TYPE 2X. Identifiers: Orphanet 466775, MedGen C5569024, MONDO:0014726, OMIM 616668.
Amyotrophic lateral sclerosis type 5 (ALS5). Also called: AMYOTROPHIC LATERAL SCLEROSIS 5, JUVENILE. Identifiers: Orphanet 300605, MedGen C1865864, MONDO:0011196, OMIM 602099.
Hereditary spastic paraplegia 11. Also called: SPASTIC PARAPLEGIA, AUTOSOMAL RECESSIVE, COMPLICATED, WITH THIN CORPUS CALLOSUM; SPASTIC PARAPLEGIA, AUTOSOMAL RECESSIVE, WITH MENTAL IMPAIRMENT AND THIN CORPUS CALLOSUM; Spastic Paraplegia 11; Nakamura Osame syndrome; Autosomal recessive hereditary spastic paraplegia, mental impairment, and thin corpus callosum; Spastic paraplegia, mental retardation and thin corpus callosum. Identifiers: Orphanet 2822, MedGen C1858479, MONDO:0011445, OMIM 604360.

Allele frequency attached by ClinVar (database versions not stated): gnomAD exomes 0.00004 and 0.00013; ESP Exome Variant Server 0.00008; ExAC 0.00012; gnomAD 0.00040 and 0.00042; TOPMed 0.00040; 1000 Genomes Project 30x 0.00094; 1000 Genomes Project 0.00100.
gnomAD v4.1: 123 of 1,614,178 alleles (0.0076%); highest among the groups gnomAD compares: African/African-American, 0.13%; no homozygotes.

Submissions (9):

Labcorp Genetics (formerly Invitae), Labcorp
Classification: Benign for Hereditary spastic paraplegia 11. Last evaluated: 2026-01-28. Review status: criteria provided, single submitter. Criteria: Invitae Variant Classification Sherloc (09022015). Collection method: clinical testing. Allele origin: germline.

Ambry Genetics
Classification: Uncertain significance for Inborn genetic diseases. Last evaluated: 2023-03-31. Review status: criteria provided, single submitter. Criteria: Ambry Variant Classification Scheme 2023. Collection method: clinical testing. Allele origin: germline.

Mayo Clinic Laboratories, Mayo Clinic
Classification: Uncertain significance. Last evaluated: 2020-02-03. Review status: criteria provided, single submitter. Criteria: ACMG Guidelines, 2015. Collection method: clinical testing. Allele origin: germline. Observed: 1 variant allele.

Genome Diagnostics Laboratory, The Hospital for Sick Children
Classification: Uncertain significance for Hereditary spastic paraplegia. Last evaluated: 2018-11-01. Review status: criteria provided, single submitter. Criteria: ACMG Guidelines, 2015. Collection method: clinical testing. Allele origin: germline. Affected: yes.

Illumina Laboratory Services, Illumina
Classification: Uncertain significance for Hereditary spastic paraplegia 11. Last evaluated: 2018-01-13. Review status: criteria provided, single submitter. Criteria: ICSL Variant Classification Criteria 13 December 2019. Collection method: clinical testing. Allele origin: germline.

Genome-Nilou Lab
Classification: Uncertain significance for Amyotrophic lateral sclerosis type 5. Review status: criteria provided, single submitter. Criteria: ACMG Guidelines, 2015. Collection method: clinical testing. Allele origin: germline.

Genome-Nilou Lab
Classification: Uncertain significance for Charcot-Marie-Tooth disease axonal type 2X. Review status: criteria provided, single submitter. Criteria: ACMG Guidelines, 2015. Collection method: clinical testing. Allele origin: germline.

Genome-Nilou Lab
Classification: Uncertain significance for Hereditary spastic paraplegia 11. Review status: criteria provided, single submitter. Criteria: ACMG Guidelines, 2015. Collection method: clinical testing. Allele origin: germline.

Division of Human Genetics, Children's Hospital of Philadelphia
Classification: Uncertain significance for Spastic paraplegia 11. Last evaluated: 2014-10-14. Review status: no assertion criteria provided. Collection method: research. Allele origin: paternal. Affected: yes. Study: CSER-PediSeq. Not counted in ClinVar's aggregate classification.
Comment: This test identified a variant (c.1270C>A;p.Pro424Thr) in the SPG11 gene associated with spastic paraplegia 11 (autosomal recessive). This variant is considered a variant of unknown significance. The c.1270C>A;p.Pro424Thr variant has not been reported in literature; however, it was seen in one individual in control databases (EVS 6500 and 1000 Genomes) in the heterozygous form and has not been reported in ClinVar database. The amino acid change (p.Pro424Thr) was observed in the reference genome of one other organism (wallaby). Most common variants reported to be associated with autosomal recessive spastic paraplegia are nonsense, small deletions, or insertions leading to a truncated protein product. Missense variants, such as (c.1270C>A;p.Pro424Thr) have been rarely associated with the condition. A second variant on the other allele was not identified.

NM_025137.4(SPG11):c.1270C>A (p.Pro424Thr)

Gene: SPG11 (SPG11 vesicle trafficking associated, spatacsin; minus strand). Cytogenetic location: 15q21.1.
Variant type: single nucleotide variant.
Coding change: c.1270C>A on transcript NM_025137.4 (MANE Select); coding-DNA position 1270, C replaced by A.
Protein change: p.Pro424Thr; replaces proline 424 with threonine.
Molecular consequence: missense variant.
Genome position (GRCh38, 1-based): chr15:44,651,677, G>T on the plus strand (C>A on the coding strand, the complement: SPG11 is on the minus strand). VCF-style: chr15-44651677-G-T. GRCh37 (hg19) VCF-style: chr15-44943875-G-T.
Other names: c.1270C>A, p.Pro424Thr (NM_001160227.2); short protein forms P424T.
Identifiers: ClinVar variation 203369 (VCV000203369.26), dbSNP rs141596008, ClinGen allele CA275497.